The following is an entry in ClinVar:

ClinVar aggregate classification (germline): Benign/Likely benign. Review status: criteria provided, multiple submitters, no conflicts (2 of 4 stars). 3 submissions from 3 submitters: Benign (1); Likely benign (2). Last evaluated 2025-01-28.

Conditions:
Familial cancer of breast. Also called: BREAST CANCER, FAMILIAL; Hereditary breast cancer; hereditary breast carcinoma. Identifiers: Orphanet 227535, MedGen C0346153, MONDO:0016419, OMIM 114480. Disease mechanism: loss of function.
Hereditary cancer-predisposing syndrome. Also called: Neoplastic Syndromes, Hereditary; Tumor predisposition; Hereditary Cancer Syndrome; Hereditary neoplastic syndrome. Identifiers: Orphanet 140162, MedGen C0027672, MeSH D009386, MONDO:0015356.

gnomAD v4.1: 1 of 1,613,996 alleles (0.000062%); highest among the groups gnomAD compares: Non-Finnish European, 0.000085%; no homozygotes.

Submissions (3):

Labcorp Genetics (formerly Invitae), Labcorp
Classification: Likely benign for Familial cancer of breast. Last evaluated: 2025-01-28. Review status: criteria provided, single submitter. Criteria: Invitae Variant Classification Sherloc (09022015). Collection method: clinical testing. Allele origin: germline.

Myriad Genetics, Inc.
Classification: Benign for Familial cancer of breast. Last evaluated: 2024-07-29. Review status: criteria provided, single submitter. Criteria: Myriad Autosomal Dominant, Autosomal Recessive and X-Linked Classification Criteria (2023). Collection method: clinical testing. Allele origin: unknown.
Comment: This variant is considered benign. This variant is a silent/synonymous amino acid change and it is not expected to impact splicing.

Ambry Genetics
Classification: Likely benign for Hereditary cancer-predisposing syndrome. Last evaluated: 2019-04-22. Review status: criteria provided, single submitter. Criteria: Ambry Variant Classification Scheme 2023. Collection method: clinical testing. Allele origin: germline.

NM_000465.4(BARD1):c.1924A>C (p.Arg642=)

Gene: BARD1 (BRCA1 associated RING domain 1; minus strand). Cytogenetic location: 2q35.
Variant type: single nucleotide variant.
Coding change: c.1924A>C on transcript NM_000465.4 (MANE Select); coding-DNA position 1924, A replaced by C.
Protein change: p.Arg642=; no amino-acid change (arginine 642 retained).
Molecular consequence: synonymous variant. On other transcripts: non-coding transcript variant (3).
Genome position (GRCh38, 1-based): chr2:214,730,488, T>G on the plus strand (A>C on the coding strand, the complement: BARD1 is on the minus strand). VCF-style: chr2-214730488-T-G. GRCh37 (hg19) VCF-style: chr2-215595212-T-G.
Other names: c.1867A>C, p.Arg623= (NM_001282543.2); c.571A>C, p.Arg191= (NM_001282545.2); c.514A>C, p.Arg172= (NM_001282548.2); c.385A>C, p.Arg129= (NM_001282549.2).
Identifiers: ClinVar variation 820347 (VCV000820347.15), dbSNP rs765487816, ClinGen allele CA431139640.
Genomic context (GRCh38, chr2:214,730,488, plus strand): 5'-GCCTGCTTCTGCGTGGACCTTCAGGAATTTCATACTTTTCTTCCTGTTCACATACTTTTC[T>G]TCGTAGACATGCTTTTACCCCTGACAAAAACACAAGAATTAAAGCAAACTAAGTATCAAG-3'
Protein context (NP_000456.2, residues 632-652): KFEWVKACLR[Arg642=]KVCEQEEKYE